The following is an entry in ClinVar:

NM_001271.4(CHD2):c.983A>T (p.Gln328Leu)

Gene: CHD2 (chromodomain helicase DNA binding protein 2; plus strand). Cytogenetic location: 15q26.1.
Variant type: single nucleotide variant.
Coding change: c.983A>T on transcript NM_001271.4 (MANE Select); coding-DNA position 983, A replaced by T.
Protein change: p.Gln328Leu; replaces glutamine 328 with leucine.
Molecular consequence: missense variant.
Genome position (GRCh38, 1-based): chr15:92,942,999, A>T. VCF-style: chr15-92942999-A-T. GRCh37 (hg19) VCF-style: chr15-93486229-A-T.
Other names: c.983A>T, p.Gln328Leu (NM_001042572.3); short protein forms Q328L.
Identifiers: ClinVar variation 1327654 (VCV001327654.2), dbSNP rs1195504144, ClinGen allele CA393902032.

ClinVar aggregate classification (germline): Uncertain significance (1 of 4 stars; one submission).

Allele frequency attached by ClinVar (database versions not stated): gnomAD exomes below 0.00001 and 0.00001.
gnomAD v4.1: 9 of 1,614,144 alleles (0.00056%); highest among the groups gnomAD compares: Non-Finnish European, 0.00076%; no homozygotes.

Submission:

GeneDx
Classification: Uncertain significance. Last evaluated: 2021-06-10. Review status: criteria provided, single submitter. Criteria: GeneDx Variant Classification Process June 2021. Collection method: clinical testing. Allele origin: germline. Affected: yes.
Comment: Has not been previously published as pathogenic or benign to our knowledge; In-silico analysis, which includes splice predictors and evolutionary conservation, is inconclusive as to whether the variant alters gene splicing. In the absence of RNA/functional studies, the actual effect of this sequence change is unknown.; In silico analysis supports that this missense variant has a deleterious effect on protein structure/function